The following is an entry in ClinVar:

ClinVar aggregate classification (germline): Pathogenic (1 of 4 stars; one submission).

Submission:

CeGaT Center for Human Genetics Tuebingen
Classification: Pathogenic. Last evaluated: 2024-09-01. Review status: criteria provided, single submitter. Criteria: CeGaT Center For Human Genetics Tuebingen Variant Classification Criteria Version 2. Collection method: clinical testing. Allele origin: germline. Affected: yes. Observed: 1 variant allele.
Comment: ARG1: PVS1, PM2, PP4:Moderate, PM3:Supporting

NM_000045.4(ARG1):c.702_703insAGACT (p.Gly235fs)

Genes: ARG1 (arginase 1; plus strand), MED23 (mediator complex subunit 23; minus strand). Cytogenetic location: 6q23.2.
Variant type: Insertion.
Coding change: c.702_703insAGACT on transcript NM_000045.4 (MANE Select); coding-DNA positions 702 to 703, AGACT inserted.
Protein change: p.Gly235fs; shifts the reading frame from glycine 235.
Molecular consequence: frameshift variant. On other transcripts: non-coding transcript variant (1), intron variant (2).
Genome position: GRCh38 VCF-style: chr6-131583391-C-CAGACT. GRCh37 (hg19) VCF-style: chr6-131904531-C-CAGACT.
Other names: c.726_727insAGACT, p.Gly243fs (NM_001244438.2); c.447_448insAGACT, p.Gly150fs (NM_001369020.1); c.4077+4317_4077+4318insAGTCT (NM_001270521.2); c.4095+4317_4095+4318insAGTCT (NM_015979.4); short protein forms G150fs, G235fs, G243fs.
Identifiers: ClinVar variation 3389577 (VCV003389577.14).